The following is an entry in ClinVar:

NM_001845.6(COL4A1):c.1000-7G>T

Gene: COL4A1 (collagen type IV alpha 1 chain; minus strand). Cytogenetic location: 13q34.
Variant type: single nucleotide variant.
Coding change: c.1000-7G>T on transcript NM_001845.6 (MANE Select); 7 bases into the intron before coding-DNA position 1000, G replaced by T.
Molecular consequence: intron variant.
Genome position (GRCh38, 1-based): chr13:110,201,529, C>A on the plus strand (G>T on the coding strand, the complement: COL4A1 is on the minus strand). VCF-style: chr13-110201529-C-A. GRCh37 (hg19) VCF-style: chr13-110853876-C-A.
Other names: c.1000-7G>T (NM_001303110.2).
Identifiers: ClinVar variation 1607910 (VCV001607910.9), dbSNP rs762670280, ClinGen allele CA7048115.
Genomic context (GRCh38, chr13:110,201,529, plus strand): 5'-AGTTCCAGGGTAGCCCCTCTCTCCTTTTTCTCCCAAAGGTCCTGTGCCTATAACCTGAAT[C>A]GAGAAGGAAAAGGTGATCATCCCGTGGCATGGGAATGGCTAGTCCTGTATAGTAAAGCAG-3'

ClinVar aggregate classification (germline): Likely benign. Review status: criteria provided, multiple submitters, no conflicts (2 of 4 stars). 2 submissions from 2 submitters: Likely benign (2). Last evaluated 2026-07-01.

gnomAD v4.1: 14 of 1,613,582 alleles (0.00087%); highest among the groups gnomAD compares: African/African-American, 0.011%; no homozygotes.

Submissions (2):

CeGaT Center for Human Genetics Tuebingen
Classification: Likely benign. Last evaluated: 2026-07-01. Review status: criteria provided, single submitter. Criteria: CeGaT Center For Human Genetics Tuebingen Variant Classification Criteria Version 2. Collection method: clinical testing. Allele origin: germline. Affected: yes. Observed: 1 variant allele.
Comment: COL4A1: BP4

Labcorp Genetics (formerly Invitae), Labcorp
Classification: Likely benign. Last evaluated: 2024-12-14. Review status: criteria provided, single submitter. Criteria: Invitae Variant Classification Sherloc (09022015). Collection method: clinical testing. Allele origin: germline.